The following is an entry in ClinVar:

NM_001005498.4(RHBDF2):c.839C>G (p.Ser280Cys)

Gene: RHBDF2 (rhomboid 5 homolog 2; minus strand). Cytogenetic location: 17q25.1.
Variant type: single nucleotide variant.
Coding change: c.839C>G on transcript NM_001005498.4 (MANE Select); coding-DNA position 839, C replaced by G.
Protein change: p.Ser280Cys; replaces serine 280 with cysteine.
Molecular consequence: missense variant. On other transcripts: non-coding transcript variant (3).
Genome position (GRCh38, 1-based): chr17:76,477,261, G>C on the plus strand (C>G on the coding strand, the complement: RHBDF2 is on the minus strand). VCF-style: chr17-76477261-G-C. GRCh37 (hg19) VCF-style: chr17-74473343-G-C.
Other names: c.839C>G, p.Ser280Cys (NM_001376228.1, NM_001376229.1, NM_001376230.1); c.926C>G, p.Ser309Cys (NM_024599.5); short protein forms S280C, S309C.
Identifiers: ClinVar variation 4773908 (VCV004773908.1).

ClinVar aggregate classification (germline): Uncertain significance (1 of 4 stars; one submission).

Submission:

Labcorp Genetics (formerly Invitae), Labcorp
Classification: Uncertain significance. Last evaluated: 2025-08-04. Review status: criteria provided, single submitter. Criteria: Invitae Variant Classification Sherloc (09022015). Collection method: clinical testing. Allele origin: germline.
Comment: This sequence change replaces serine, which is neutral and polar, with cysteine, which is neutral and slightly polar, at codon 309 of the RHBDF2 protein (p.Ser309Cys). This variant is not present in population databases (gnomAD no frequency). This variant has not been reported in the literature in individuals affected with RHBDF2-related conditions. An algorithm developed to predict the effect of missense changes on protein structure and function (PolyPhen-2) suggests that this variant is likely to be disruptive. In summary, the available evidence is currently insufficient to determine the role of this variant in disease. Therefore, it has been classified as a Variant of Uncertain Significance.